The following is an entry in ClinVar:

ClinVar aggregate classification (germline): Uncertain significance. Review status: criteria provided, multiple submitters, no conflicts (2 of 4 stars). 3 submissions from 3 submitters: Uncertain significance (3). Last evaluated 2025-07-09.

Conditions:
Inborn genetic diseases. Identifiers: MedGen C0950123, MeSH D030342.

Allele frequency attached by ClinVar (database versions not stated): gnomAD 0.00004 and 0.00005; TOPMed 0.00005; gnomAD exomes 0.00007 and 0.00014; ESP Exome Variant Server 0.00015; ExAC 0.00016.
gnomAD v4.1: 110 of 1,611,348 alleles (0.0068%); highest among the groups gnomAD compares: East Asian, 0.033%; 2 homozygotes.

Submissions (3):

Labcorp Genetics (formerly Invitae), Labcorp
Classification: Uncertain significance. Last evaluated: 2025-07-09. Review status: criteria provided, single submitter. Criteria: Invitae Variant Classification Sherloc (09022015). Collection method: clinical testing. Allele origin: germline.
Comment: This sequence change replaces arginine, which is basic and polar, with histidine, which is basic and polar, at codon 705 of the GUCY2C protein (p.Arg705His). This variant is present in population databases (rs369775689, gnomAD 0.07%). This variant has not been reported in the literature in individuals affected with GUCY2C-related conditions. ClinVar contains an entry for this variant (Variation ID: 1377419). Invitae Evidence Modeling of protein sequence and biophysical properties (such as structural, functional, and spatial information, amino acid conservation, physicochemical variation, residue mobility, and thermodynamic stability) indicates that this missense variant is expected to disrupt GUCY2C protein function with a positive predictive value of 80%. In summary, the available evidence is currently insufficient to determine the role of this variant in disease. Therefore, it has been classified as a Variant of Uncertain Significance.

Ambry Genetics
Classification: Uncertain significance for Inborn genetic diseases. Last evaluated: 2025-05-14. Review status: criteria provided, single submitter. Criteria: Ambry Variant Classification Scheme 2023. Collection method: clinical testing. Allele origin: germline.

Blueprint Genetics
Classification: Uncertain significance. Last evaluated: 2020-01-14. Review status: criteria provided, single submitter. Criteria: ACMG Guidelines, 2015. Collection method: clinical testing. Allele origin: germline.

NM_004963.4(GUCY2C):c.2114G>A (p.Arg705His)

Gene: GUCY2C (guanylate cyclase 2C; minus strand). Cytogenetic location: 12p12.3.
Variant type: single nucleotide variant.
Coding change: c.2114G>A on transcript NM_004963.4 (MANE Select); coding-DNA position 2114, G replaced by A.
Protein change: p.Arg705His; replaces arginine 705 with histidine.
Molecular consequence: missense variant.
Genome position (GRCh38, 1-based): chr12:14,639,905, C>T on the plus strand (G>A on the coding strand, the complement: GUCY2C is on the minus strand). VCF-style: chr12-14639905-C-T. GRCh37 (hg19) VCF-style: chr12-14792839-C-T.
Other names: c.2114G>A (NM_004963.3); short protein forms R705H.
Identifiers: ClinVar variation 1377419 (VCV001377419.11), dbSNP rs369775689, ClinGen allele CA6463177.